The following is an entry in ClinVar:

NM_001271.4(CHD2):c.5111G>A (p.Ser1704Asn)

Gene: CHD2 (chromodomain helicase DNA binding protein 2; plus strand). Cytogenetic location: 15q26.1.
Variant type: single nucleotide variant.
Coding change: c.5111G>A on transcript NM_001271.4 (MANE Select); coding-DNA position 5111, G replaced by A.
Protein change: p.Ser1704Asn; replaces serine 1704 with asparagine.
Molecular consequence: missense variant.
Genome position (GRCh38, 1-based): chr15:93,020,216, G>A. VCF-style: chr15-93020216-G-A. GRCh37 (hg19) VCF-style: chr15-93563446-G-A.
Other names: short protein forms S1704N.
Identifiers: ClinVar variation 1018098 (VCV001018098.9), dbSNP rs2054516537, ClinGen allele CA393907920.

ClinVar aggregate classification (germline): Uncertain significance (1 of 4 stars; one submission).

Conditions:
Developmental and epileptic encephalopathy 94 (DEE94). Also called: CHD2-Related Neurodevelopmental Disorders; Epileptic encephalopathy, childhood-onset. Identifiers: Orphanet 1942, Orphanet 2382, MedGen C3809278, MONDO:0014150, OMIM 615369.

Submission:

Labcorp Genetics (formerly Invitae), Labcorp
Classification: Uncertain significance for Developmental and epileptic encephalopathy 94. Last evaluated: 2023-11-29. Review status: criteria provided, single submitter. Criteria: Invitae Variant Classification Sherloc (09022015). Collection method: clinical testing. Allele origin: germline.
Comment: This sequence change replaces serine, which is neutral and polar, with asparagine, which is neutral and polar, at codon 1704 of the CHD2 protein (p.Ser1704Asn). This variant is not present in population databases (gnomAD no frequency). This variant has not been reported in the literature in individuals affected with CHD2-related conditions. ClinVar contains an entry for this variant (Variation ID: 1018098). Advanced modeling of protein sequence and biophysical properties (such as structural, functional, and spatial information, amino acid conservation, physicochemical variation, residue mobility, and thermodynamic stability) performed at Invitae indicates that this missense variant is not expected to disrupt CHD2 protein function with a negative predictive value of 95%. In summary, the available evidence is currently insufficient to determine the role of this variant in disease. Therefore, it has been classified as a Variant of Uncertain Significance.